The following is an entry in ClinVar:

NM_001330691.3(CEP78):c.293C>T (p.Ala98Val)

Gene: CEP78 (centrosomal protein 78; plus strand). Cytogenetic location: 9q21.2.
Variant type: single nucleotide variant.
Coding change: c.293C>T on transcript NM_001330691.3 (MANE Select); coding-DNA position 293, C replaced by T.
Protein change: p.Ala98Val; replaces alanine 98 with valine.
Molecular consequence: missense variant.
Genome position (GRCh38, 1-based): chr9:78,240,062, C>T. VCF-style: chr9-78240062-C-T. GRCh37 (hg19) VCF-style: chr9-80854978-C-T.
Other names: c.293C>T, p.Ala98Val (NM_001098802.3, NM_001330693.3, NM_001330694.2 and 4 more transcripts); short protein forms A98V.
Identifiers: ClinVar variation 842304 (VCV000842304.8), dbSNP rs375569426, ClinGen allele CA5094872.
Genomic context (GRCh38, chr9:78,240,062, plus strand): 5'-TTTCTTTTATCTTTGTTTTAGGTTCTGACATGAATAAATTTTGCAGAAGTCGTGTTCCTG[C>T]GATAAGATACAAAGATGTGACCTTCCAGTTGTGTAAAGCTCTTAAAGGCTGTTTAAGTAT-3'
Protein context (NP_001317620.1, residues 88-108): MNKFCRSRVP[Ala98Val]IRYKDVTFQL

ClinVar aggregate classification (germline): Uncertain significance. Review status: criteria provided, multiple submitters, no conflicts (2 of 4 stars). 2 submissions from 2 submitters: Uncertain significance (2). Last evaluated 2024-03-12.

Allele frequency attached by ClinVar (database versions not stated): 1000 Genomes Project 0.00020; 1000 Genomes Project 30x 0.00031; ESP Exome Variant Server 0.00034; TOPMed 0.00045.
gnomAD v4.1: 110 of 1,583,124 alleles (0.0069%); highest among the groups gnomAD compares: African/African-American, 0.13%; no homozygotes.

Submissions (2):

Blueprint Genetics
Classification: Uncertain significance. Last evaluated: 2024-03-12. Review status: criteria provided, single submitter. Criteria: ACMG Guidelines, 2015. Collection method: clinical testing. Allele origin: germline.

Labcorp Genetics (formerly Invitae), Labcorp
Classification: Uncertain significance. Last evaluated: 2022-08-23. Review status: criteria provided, single submitter. Criteria: Invitae Variant Classification Sherloc (09022015). Collection method: clinical testing. Allele origin: germline.
Comment: This sequence change replaces alanine, which is neutral and non-polar, with valine, which is neutral and non-polar, at codon 98 of the CEP78 protein (p.Ala98Val). This variant is present in population databases (rs375569426, gnomAD 0.1%). This variant has not been reported in the literature in individuals affected with CEP78-related conditions. ClinVar contains an entry for this variant (Variation ID: 842304). Algorithms developed to predict the effect of missense changes on protein structure and function (SIFT, PolyPhen-2, Align-GVGD) all suggest that this variant is likely to be tolerated. In summary, the available evidence is currently insufficient to determine the role of this variant in disease. Therefore, it has been classified as a Variant of Uncertain Significance.